The following is an entry in ClinVar:

NM_153252.5(BRWD3):c.233G>T (p.Arg78Ile)

Gene: BRWD3 (bromodomain and WD repeat domain containing 3; minus strand). Cytogenetic location: Xq21.1.
Variant type: single nucleotide variant.
Coding change: c.233G>T on transcript NM_153252.5 (MANE Select); coding-DNA position 233, G replaced by T.
Protein change: p.Arg78Ile; replaces arginine 78 with isoleucine.
Molecular consequence: missense variant.
Genome position (GRCh38, 1-based): chrX:80,793,720, C>A on the plus strand (G>T on the coding strand, the complement: BRWD3 is on the minus strand). VCF-style: chrX-80793720-C-A. GRCh37 (hg19) VCF-style: chrX-80049219-C-A.
Other names: c.233G>T, p.Arg78Ile (NM_001441339.1); short protein forms R78I.
Identifiers: ClinVar variation 4737001 (VCV004737001.1).

ClinVar aggregate classification (germline): Uncertain significance (1 of 4 stars; one submission).

gnomAD v4.1: 1 of 1,208,203 alleles (0.000083%); highest among the groups gnomAD compares: East Asian, 0.003%; no homozygotes.

Submission:

Labcorp Genetics (formerly Invitae), Labcorp
Classification: Uncertain significance. Last evaluated: 2025-05-30. Review status: criteria provided, single submitter. Criteria: Invitae Variant Classification Sherloc (09022015). Collection method: clinical testing. Allele origin: germline.
Comment: This sequence change replaces arginine, which is basic and polar, with isoleucine, which is neutral and non-polar, at codon 78 of the BRWD3 protein (p.Arg78Ile). This variant is not present in population databases (gnomAD no frequency). This variant has not been reported in the literature in individuals affected with BRWD3-related conditions. Invitae Evidence Modeling of protein sequence and biophysical properties (such as structural, functional, and spatial information, amino acid conservation, physicochemical variation, residue mobility, and thermodynamic stability) indicates that this missense variant is expected to disrupt BRWD3 protein function with a positive predictive value of 80%. In summary, the available evidence is currently insufficient to determine the role of this variant in disease. Therefore, it has been classified as a Variant of Uncertain Significance.